The following is an entry in ClinVar:

NM_014141.6(CNTNAP2):c.1778-264A>C

Gene: CNTNAP2 (contactin associated protein 2; plus strand). Cytogenetic location: 7q35.
Variant type: single nucleotide variant.
Coding change: c.1778-264A>C on transcript NM_014141.6 (MANE Select); 264 bases into the intron before coding-DNA position 1778, A replaced by C.
Molecular consequence: intron variant.
Genome position (GRCh38, 1-based): chr7:147,561,874, A>C. VCF-style: chr7-147561874-A-C. GRCh37 (hg19) VCF-style: chr7-147258966-A-C.
Identifiers: ClinVar variation 668787 (VCV000668787.1), dbSNP rs4615479, ClinGen allele CA168744520.

ClinVar aggregate classification (germline): Benign (1 of 4 stars; one submission).

Allele frequency attached by ClinVar (database versions not stated): gnomAD 0.46947 and 0.47006; TOPMed 0.47352; 1000 Genomes Project 0.50140; 1000 Genomes Project 30x 0.50297.
gnomAD v4.1: 71,539 of 152,098 alleles (47%); highest among the groups gnomAD compares: East Asian, 61%; 17,012 homozygotes.

Submission:

GeneDx
Classification: Benign. Last evaluated: 2018-06-18. Review status: criteria provided, single submitter. Criteria: GeneDx Variant Classification (06012015). Collection method: clinical testing. Allele origin: germline. Affected: yes.
Comment: This variant is considered likely benign or benign based on one or more of the following criteria: it is a conservative change, it occurs at a poorly conserved position in the protein, it is predicted to be benign by multiple in silico algorithms, and/or has population frequency not consistent with disease.